The following is an entry in ClinVar:

NM_004415.4(DSP):c.2204G>T (p.Gly735Val)

Gene: DSP (desmoplakin; plus strand). Cytogenetic location: 6p24.3.
Variant type: single nucleotide variant.
Coding change: c.2204G>T on transcript NM_004415.4 (MANE Select); coding-DNA position 2204, G replaced by T.
Protein change: p.Gly735Val; replaces glycine 735 with valine.
Molecular consequence: missense variant.
Genome position (GRCh38, 1-based): chr6:7,574,159, G>T. VCF-style: chr6-7574159-G-T. GRCh37 (hg19) VCF-style: chr6-7574392-G-T.
Other names: c.2204G>T, p.Gly735Val (NM_001008844.3, NM_001319034.2); short protein forms G735V.
Identifiers: ClinVar variation 950205 (VCV000950205.19), dbSNP rs1759154089, ClinGen allele CA362680796.
Genomic context (GRCh38, chr6:7,574,159, plus strand): 5'-ATTCACAAGCAATTGCTGAGGTTCTCAACCAGCTTAAAGATATGCTTGCCAACTTCAGAG[G>T]TTCTGAAAAGTACTGCTATTTACAGAATGAAGTATTTGGACTATTTCAGAAACTGGAAAA-3'
Protein context (NP_004406.2, residues 725-745): QLKDMLANFR[Gly735Val]SEKYCYLQNE

ClinVar aggregate classification (germline): Uncertain significance. Review status: criteria provided, multiple submitters, no conflicts (2 of 4 stars). 5 submissions from 5 submitters: Uncertain significance (5). Last evaluated 2024-07-29.

Conditions:
Arrhythmogenic right ventricular dysplasia 8 (ARVD8). Also called: Arrhythmogenic Right Ventricular Dysplasia/Cardiomyopathy 8; ARRHYTHMOGENIC RIGHT VENTRICULAR CARDIOMYOPATHY 8; ARRHYTHMOGENIC RIGHT VENTRICULAR DYSPLASIA, FAMILIAL, 8. Identifiers: MedGen C1843896, MONDO:0011831, OMIM 607450.
Arrhythmogenic cardiomyopathy with wooly hair and keratoderma. Also called: PALMOPLANTAR KERATODERMA WITH LEFT VENTRICULAR CARDIOMYOPATHY AND WOOLLY HAIR; Carvajal syndrome; Dilated cardiomyopathy with woolly hair and keratoderma; Arrhythmogenic cardiomyopathy with woolly hair and keratoderma. Identifiers: Orphanet 65282, MedGen C1854063, MONDO:0011581, OMIM 605676.
Cardiovascular phenotype. Identifiers: MedGen CN230736.
Cardiomyopathy (CMYO). Also called: Cardiomyopathies. Identifiers: Orphanet 167848, MedGen C0878544, MONDO:0004994, HP:0001638. Inheritance: Various modes of inheritance.

gnomAD v4.1: 1 of 1,614,062 alleles (0.000062%); highest among the groups gnomAD compares: Non-Finnish European, 0.000085%; no homozygotes.

Submissions (5):

All of Us Research Program, National Institutes of Health
Classification: Uncertain significance for Arrhythmogenic cardiomyopathy with wooly hair and keratoderma. Last evaluated: 2024-07-29. Review status: criteria provided, single submitter. Criteria: ACMG Guidelines, 2015. Collection method: clinical testing. Allele origin: germline. Inheritance: Autosomal dominant inheritance. Observed: 1 variant allele, 1 heterozygote.
Comment: This missense variant replaces glycine with valine at codon 735 of the DSP protein. Computational prediction suggests that this variant may not impact protein structure and function (internally defined REVEL score threshold <= 0.5, PMID: 27666373). To our knowledge, functional studies have not been reported for this variant. This variant has not been reported in individuals affected with DSP-related disorders in the literature. This variant has not been identified in the general population by the Genome Aggregation Database (gnomAD). The available evidence is insufficient to determine the role of this variant in disease conclusively. Therefore, this variant is classified as a Variant of Uncertain Significance.

This study involves interpretation of variants in research participants for the purpose of population health screening. Participant phenotype was not available at the time of variant classification. Additional details can be found in publication PMID: 35346344, PMCID: PMC8962531

Color Diagnostics, LLC DBA Color Health
Classification: Uncertain significance for Cardiomyopathy. Last evaluated: 2024-03-04. Review status: criteria provided, single submitter. Criteria: ACMG Guidelines, 2015. Collection method: clinical testing. Allele origin: germline.
Comment: This missense variant replaces glycine with valine at codon 735 of the DSP protein. Computational prediction suggests that this variant may not impact protein structure and function (internally defined REVEL score threshold <= 0.5, PMID: 27666373). To our knowledge, functional studies have not been reported for this variant. This variant has not been reported in individuals affected with DSP-related disorders in the literature. This variant has not been identified in the general population by the Genome Aggregation Database (gnomAD). The available evidence is insufficient to determine the role of this variant in disease conclusively. Therefore, this variant is classified as a Variant of Uncertain Significance.

Labcorp Genetics (formerly Invitae), Labcorp
Classification: Uncertain significance for Arrhythmogenic cardiomyopathy with wooly hair and keratoderma; Arrhythmogenic right ventricular dysplasia 8. Last evaluated: 2023-11-28. Review status: criteria provided, single submitter. Criteria: Invitae Variant Classification Sherloc (09022015). Collection method: clinical testing. Allele origin: germline.
Comment: This sequence change replaces glycine, which is neutral and non-polar, with valine, which is neutral and non-polar, at codon 735 of the DSP protein (p.Gly735Val). This variant is not present in population databases (gnomAD no frequency). This variant has not been reported in the literature in individuals affected with DSP-related conditions. ClinVar contains an entry for this variant (Variation ID: 950205). An algorithm developed to predict the effect of missense changes on protein structure and function (PolyPhen-2) suggests that this variant is likely to be disruptive. In summary, the available evidence is currently insufficient to determine the role of this variant in disease. Therefore, it has been classified as a Variant of Uncertain Significance.

Ambry Genetics
Classification: Uncertain significance for Cardiovascular phenotype. Last evaluated: 2022-11-17. Review status: criteria provided, single submitter. Criteria: Ambry Variant Classification Scheme 2023. Collection method: clinical testing. Allele origin: germline.
Comment: The p.G735V variant (also known as c.2204G>T), located in coding exon 16 of the DSP gene, results from a G to T substitution at nucleotide position 2204. The glycine at codon 735 is replaced by valine, an amino acid with dissimilar properties. This amino acid position is conserved. In addition, the in silico prediction for this alteration is inconclusive. Since supporting evidence is limited at this time, the clinical significance of this alteration remains unclear.

Blueprint Genetics
Classification: Uncertain significance. Last evaluated: 2021-11-01. Review status: criteria provided, single submitter. Criteria: ACMG Guidelines, 2015. Collection method: clinical testing. Allele origin: germline.